The following is an entry in ClinVar:

ClinVar aggregate classification (germline): Conflicting classifications of pathogenicity. Review status: criteria provided, conflicting classifications (1 of 4 stars). 5 submissions from 5 submitters: Uncertain significance (3); Benign (1); Likely benign (1). Last evaluated 2025-06-13.

Conditions:
ZNF469-related disorder. Also called: ZNF469-related condition.
Cardiovascular phenotype. Identifiers: MedGen CN230736.
Brittle cornea syndrome 1 (BCS1). Also called: FRAGILITAS OCULI WITH JOINT HYPEREXTENSIBILITY; DYSGENESIS MESODERMALIS CORNEAE ET SCLERAE; CORNEAL FRAGILITY, KERATOGLOBUS, BLUE SCLERAE, JOINT HYPEREXTENSIBILITY; EDS6B; Corneal fragility keratoglobus, blue sclerae AND joint hypermobility. Identifiers: Orphanet 90354, MedGen C0268344, MONDO:0024543, OMIM 229200.

Allele frequency attached by ClinVar (database versions not stated): ExAC 0.00036; gnomAD 0.00041 and 0.00043; TOPMed 0.00046; gnomAD exomes 0.00021.
gnomAD v4.1: 162 of 1,547,058 alleles (0.01%); highest among the groups gnomAD compares: Admixed American, 0.17%; 1 homozygote.

Submissions (5):

PreventionGenetics, part of Exact Sciences
Classification: Likely benign for ZNF469-related condition. Last evaluated: 2025-06-13. Review status: criteria provided, single submitter. Criteria: ACMG Guidelines, 2015. Collection method: clinical testing. Allele origin: germline.
Comment: This variant is classified as likely benign based on ACMG/AMP sequence variant interpretation guidelines (Richards et al. 2015 PMID: 25741868, with internal and published modifications).

Ambry Genetics
Classification: Benign for Cardiovascular phenotype. Last evaluated: 2023-03-08. Review status: criteria provided, single submitter. Criteria: Ambry Variant Classification Scheme 2023. Collection method: clinical testing. Allele origin: germline.

Labcorp Genetics (formerly Invitae), Labcorp
Classification: Uncertain significance. Last evaluated: 2022-08-16. Review status: criteria provided, single submitter. Criteria: Invitae Variant Classification Sherloc (09022015). Collection method: clinical testing. Allele origin: germline.
Comment: This sequence change replaces glycine, which is neutral and non-polar, with arginine, which is basic and polar, at codon 3560 of the ZNF469 protein (p.Gly3560Arg). This variant is present in population databases (rs750481489, gnomAD 0.07%). This variant has not been reported in the literature in individuals affected with ZNF469-related conditions. ClinVar contains an entry for this variant (Variation ID: 451353). Algorithms developed to predict the effect of missense changes on protein structure and function output the following: SIFT: "Tolerated"; PolyPhen-2: "Benign"; Align-GVGD: "Class C0". The arginine amino acid residue is found in multiple mammalian species, which suggests that this missense change does not adversely affect protein function. In summary, the available evidence is currently insufficient to determine the role of this variant in disease. Therefore, it has been classified as a Variant of Uncertain Significance.

GeneDx
Classification: Uncertain significance. Last evaluated: 2021-10-01. Review status: criteria provided, single submitter. Criteria: GeneDx Variant Classification Process June 2021. Collection method: clinical testing. Allele origin: germline. Affected: yes.
Comment: In silico analysis supports that this missense variant does not alter protein structure/function; Has not been previously published as pathogenic or benign to our knowledge

Fulgent Genetics
Classification: Uncertain significance for Brittle cornea syndrome 1. Last evaluated: 2021-07-17. Review status: criteria provided, single submitter. Criteria: ACMG Guidelines, 2015. Collection method: clinical testing. Allele origin: unknown.

NM_001367624.2(ZNF469):c.10762G>A (p.Gly3588Arg)

Gene: ZNF469 (zinc finger protein 469; plus strand). Cytogenetic location: 16q24.2.
Variant type: single nucleotide variant.
Coding change: c.10762G>A on transcript NM_001367624.2 (MANE Select); coding-DNA position 10762, G replaced by A.
Protein change: p.Gly3588Arg; replaces glycine 3588 with arginine.
Molecular consequence: missense variant.
Genome position (GRCh38, 1-based): chr16:88,438,232, G>A. VCF-style: chr16-88438232-G-A. GRCh37 (hg19) VCF-style: chr16-88504640-G-A.
Other names: NM_001127464.1:c.10678G>A; NM_001127464.2:c.10678G>A; short protein forms G3588R.
Identifiers: ClinVar variation 451353 (VCV000451353.12), dbSNP rs750481489, ClinGen allele CA8225550.